The following is an entry in ClinVar:

NM_005732.4(RAD50):c.3464A>G (p.Tyr1155Cys)

Genes: RAD50 (RAD50 double strand break repair protein; plus strand), TH2-LCR (Th2 cytokine locus control region; plus strand), TH2LCRR (T helper type 2 locus control region associated RNA; minus strand). Cytogenetic location: 5q31.1.
Variant type: single nucleotide variant.
Coding change: c.3464A>G on transcript NM_005732.4 (MANE Select); coding-DNA position 3464, A replaced by G.
Protein change: p.Tyr1155Cys; replaces tyrosine 1155 with cysteine.
Molecular consequence: missense variant.
Genome position (GRCh38, 1-based): chr5:132,637,189, A>G. VCF-style: chr5-132637189-A-G. GRCh37 (hg19) VCF-style: chr5-131972881-A-G.
Other names: short protein forms Y1155C.
Identifiers: ClinVar variation 527356 (VCV000527356.15), dbSNP rs1554100868, ClinGen allele CA360930490.
Genomic context (GRCh38, chr5:132,637,189, plus strand): 5'-TTCACAGTATGAAAATGGAAGAAATCAATAAAATTATACGTGACCTGTGGCGAAGTACCT[A>G]TCGTGGACAAGGTGAGTACCATGGTGTATCACAAATGCTCTTTCCAAAGCCCTCTCCGCA-3'
Protein context (NP_005723.2, residues 1145-1165): KIIRDLWRST[Tyr1155Cys]RGQDIEYIEI

ClinVar aggregate classification (germline): Uncertain significance. Review status: criteria provided, multiple submitters, no conflicts (2 of 4 stars). 2 submissions from 2 submitters: Uncertain significance (2). Last evaluated 2024-07-08.

Conditions:
Hereditary cancer-predisposing syndrome. Also called: Neoplastic Syndromes, Hereditary; Tumor predisposition; Hereditary Cancer Syndrome; Hereditary neoplastic syndrome. Identifiers: Orphanet 140162, MedGen C0027672, MeSH D009386, MONDO:0015356.

Allele frequency attached by ClinVar (database versions not stated): gnomAD exomes below 0.00001; TOPMed 0.00001.
gnomAD v4.1: 4 of 1,611,068 alleles (0.00025%); highest among the groups gnomAD compares: Non-Finnish European, 0.00034%; no homozygotes.

Submissions (2):

Labcorp Genetics (formerly Invitae), Labcorp
Classification: Uncertain significance for Hereditary cancer-predisposing syndrome. Last evaluated: 2024-07-08. Review status: criteria provided, single submitter. Criteria: Invitae Variant Classification Sherloc (09022015). Collection method: clinical testing. Allele origin: germline.
Comment: This sequence change replaces tyrosine, which is neutral and polar, with cysteine, which is neutral and slightly polar, at codon 1155 of the RAD50 protein (p.Tyr1155Cys). This variant is not present in population databases (gnomAD no frequency). This variant has not been reported in the literature in individuals affected with RAD50-related conditions. ClinVar contains an entry for this variant (Variation ID: 527356). Advanced modeling of protein sequence and biophysical properties (such as structural, functional, and spatial information, amino acid conservation, physicochemical variation, residue mobility, and thermodynamic stability) performed at Invitae indicates that this missense variant is expected to disrupt RAD50 protein function with a positive predictive value of 80%. In summary, the available evidence is currently insufficient to determine the role of this variant in disease. Therefore, it has been classified as a Variant of Uncertain Significance.

Ambry Genetics
Classification: Uncertain significance for Hereditary cancer-predisposing syndrome. Last evaluated: 2022-10-20. Review status: criteria provided, single submitter. Criteria: Ambry Variant Classification Scheme 2023. Collection method: clinical testing. Allele origin: germline.
Comment: The p.Y1155C variant (also known as c.3464A>G), located in coding exon 22 of the RAD50 gene, results from an A to G substitution at nucleotide position 3464. The tyrosine at codon 1155 is replaced by cysteine, an amino acid with highly dissimilar properties. This alteration was identified in a cohort of 481 Chinese breast cancer patients with family history of breast/ovarian cancer (Wang J et al. Cancer Med, 2019 05;8:2074-2084). This amino acid position is highly conserved in available vertebrate species. In addition, this alteration is predicted to be deleterious by in silico analysis. Since supporting evidence is limited at this time, the clinical significance of this alteration remains unclear.

Literature cited by the submitters: PubMed 30982232 (cited by Ambry Genetics).